The following is an entry in ClinVar:

ClinVar aggregate classification (germline): Uncertain significance (1 of 4 stars; one submission).

Allele frequency attached by ClinVar (database versions not stated): TOPMed 0.00003; gnomAD 0.00009; ExAC 0.00012; 1000 Genomes Project 30x 0.00031; 1000 Genomes Project 0.00040.
gnomAD v4.1: 102 of 1,614,078 alleles (0.0063%); highest among the groups gnomAD compares: South Asian, 0.081%; no homozygotes.

Submission:

Labcorp Genetics (formerly Invitae), Labcorp
Classification: Uncertain significance. Last evaluated: 2024-08-08. Review status: criteria provided, single submitter. Criteria: Invitae Variant Classification Sherloc (09022015). Collection method: clinical testing. Allele origin: germline.
Comment: This sequence change replaces glutamic acid, which is acidic and polar, with lysine, which is basic and polar, at codon 22 of the PNLIP protein (p.Glu22Lys). This variant is present in population databases (rs568629341, gnomAD 0.08%). This variant has not been reported in the literature in individuals affected with PNLIP-related conditions. ClinVar contains an entry for this variant (Variation ID: 2170755). An algorithm developed to predict the effect of missense changes on protein structure and function (PolyPhen-2) suggests that this variant¬†is likely to be tolerated. In summary, the available evidence is currently insufficient to determine the role of this variant in disease. Therefore, it has been classified as a Variant of Uncertain Significance.

NM_000936.4(PNLIP):c.64G>A (p.Glu22Lys)

Gene: PNLIP (pancreatic lipase; plus strand). Cytogenetic location: 10q25.3.
Variant type: single nucleotide variant.
Coding change: c.64G>A on transcript NM_000936.4 (MANE Select); coding-DNA position 64, G replaced by A.
Protein change: p.Glu22Lys; replaces glutamic acid 22 with lysine.
Molecular consequence: missense variant.
Genome position (GRCh38, 1-based): chr10:116,547,311, G>A. VCF-style: chr10-116547311-G-A. GRCh37 (hg19) VCF-style: chr10-118306823-G-A.
Other names: short protein forms E22K.
Identifiers: ClinVar variation 2170755 (VCV002170755.3), dbSNP rs568629341, ClinGen allele CA5706341.
Genomic context (GRCh38, chr10:116,547,311, plus strand): 5'-AAGAGCATGTTTGTAAAACTAATATCCTTCTGGGGGATTGCAGGAAAAGAAGTTTGCTAC[G>A]AAAGACTCGGCTGCTTCAGTGATGACTCCCCATGGTCAGGAATTACGGAAAGACCCCTCC-3'
Protein context (NP_000927.1, residues 12-32): GAVAGKEVCY[Glu22Lys]RLGCFSDDSP